The following is an entry in ClinVar:

ClinVar aggregate classification (germline): Uncertain significance (1 of 4 stars; one submission).

Submission:

GeneDx
Classification: Uncertain significance. Last evaluated: 2025-03-18. Review status: criteria provided, single submitter. Criteria: GeneDx Variant Classification Process June 2021. Collection method: clinical testing. Allele origin: germline. Affected: yes.
Comment: Not observed at significant frequency in large population cohorts (gnomAD); In silico analysis supports that this missense variant has a deleterious effect on protein structure/function; Has not been previously published as pathogenic or benign to our knowledge

NM_004092.4(ECHS1):c.166A>G (p.Lys56Glu)

Gene: ECHS1 (enoyl-CoA hydratase, short chain 1; minus strand). Cytogenetic location: 10q26.3.
Variant type: single nucleotide variant.
Coding change: c.166A>G on transcript NM_004092.4 (MANE Select); coding-DNA position 166, A replaced by G.
Protein change: p.Lys56Glu; replaces lysine 56 with glutamic acid.
Molecular consequence: missense variant.
Genome position (GRCh38, 1-based): chr10:133,370,680, T>C on the plus strand (A>G on the coding strand, the complement: ECHS1 is on the minus strand). VCF-style: chr10-133370680-T-C. GRCh37 (hg19) VCF-style: chr10-135184184-T-C.
Other names: short protein forms K56E.
Identifiers: ClinVar variation 4086776 (VCV004086776.1).